The following is an entry in ClinVar:

NM_000718.4(CACNA1B):c.6407G>A (p.Arg2136His)

Gene: CACNA1B (calcium voltage-gated channel subunit alpha1 B; plus strand). Cytogenetic location: 9q34.3.
Variant type: single nucleotide variant.
Coding change: c.6407G>A on transcript NM_000718.4 (MANE Select); coding-DNA position 6407, G replaced by A.
Protein change: p.Arg2136His; replaces arginine 2136 with histidine.
Molecular consequence: missense variant.
Genome position (GRCh38, 1-based): chr9:138,120,799, G>A. VCF-style: chr9-138120799-G-A. GRCh37 (hg19) VCF-style: chr9-141015251-G-A.
Other names: c.6407G>A, p.Arg2136His (NM_001243812.2); short protein forms R2136H.
Identifiers: ClinVar variation 2171421 (VCV002171421.3), dbSNP rs200667970, ClinGen allele CA5377702.

ClinVar aggregate classification (germline): Uncertain significance (1 of 4 stars; one submission).

Allele frequency attached by ClinVar (database versions not stated): ExAC 0.00005; gnomAD exomes 0.00005; gnomAD 0.00007; TOPMed 0.00007; ESP Exome Variant Server 0.00017.
gnomAD v4.1: 83 of 1,557,246 alleles (0.0053%); highest among the groups gnomAD compares: Middle Eastern, 0.017%; no homozygotes.

Submission:

Labcorp Genetics (formerly Invitae), Labcorp
Classification: Uncertain significance. Last evaluated: 2026-01-13. Review status: criteria provided, single submitter. Criteria: Invitae Variant Classification Sherloc (09022015). Collection method: clinical testing. Allele origin: germline.
Comment: This sequence change replaces arginine, which is basic and polar, with histidine, which is basic and polar, at codon 2136 of the CACNA1B protein (p.Arg2136His). The frequency data for this variant in the population databases is considered unreliable, as metrics indicate poor data quality at this position in the gnomAD database. This variant has not been reported in the literature in individuals affected with CACNA1B-related conditions. ClinVar contains an entry for this variant (Variation ID: 2171421). Invitae Evidence Modeling of protein sequence and biophysical properties (such as structural, functional, and spatial information, amino acid conservation, physicochemical variation, residue mobility, and thermodynamic stability) indicates that this missense variant is not expected to disrupt CACNA1B protein function with a negative predictive value of 80%. In summary, the available evidence is currently insufficient to determine the role of this variant in disease. Therefore, it has been classified as a Variant of Uncertain Significance.